The following is an entry in ClinVar:

ClinVar aggregate classification (germline): Conflicting classifications of pathogenicity. Review status: criteria provided, conflicting classifications (1 of 4 stars). 2 submissions from 2 submitters: Likely pathogenic (1); Uncertain significance (1). Last evaluated 2025-08-18.

Conditions:
Dilated cardiomyopathy 1G (CMD1G). Identifiers: Orphanet 154, MedGen C1858763, MONDO:0011400, OMIM 604145.
Autosomal recessive limb-girdle muscular dystrophy type 2J (LGMDR10). Also called: Limb-girdle muscular dystrophy, type 2J; MUSCULAR DYSTROPHY, LIMB-GIRDLE, AUTOSOMAL RECESSIVE 10. Identifiers: Orphanet 140922, MedGen C1837342, MONDO:0012127, OMIM 608807.

Allele frequency attached by ClinVar (database versions not stated): gnomAD 0.00001; TOPMed 0.00002; ExAC 0.00003.
gnomAD v4.1: 45 of 1,613,046 alleles (0.0028%); highest among the groups gnomAD compares: East Asian, 0.082%; no homozygotes.

Submissions (2):

Labcorp Genetics (formerly Invitae), Labcorp
Classification: Likely pathogenic for Dilated cardiomyopathy 1G; Autosomal recessive limb-girdle muscular dystrophy type 2J. Last evaluated: 2025-08-18. Review status: criteria provided, single submitter. Criteria: Invitae Variant Classification Sherloc (09022015). Collection method: clinical testing. Allele origin: germline.
Comment: This sequence change affects a donor splice site in intron 169 of the TTN gene. It is expected to disrupt RNA splicing and likely results in a truncated or disrupted TTN protein. This variant is present in population databases (rs777040601, gnomAD 0.03%). This variant has not been observed in the literature in individuals with autosomal recessive TTN-related conditions. This variant has been reported in individual(s) with autosomal dominant dilated cardiomyopathy (internal data); however, the role of the variant in this condition is currently unclear. ClinVar contains an entry for this variant (Variation ID: 2196113). Algorithms developed to predict the effect of sequence changes on RNA splicing suggest that this variant may disrupt the consensus splice site. This variant is located in the I band of TTN (PMID: 25589632). Truncating variants in this region have been reported in individuals affected with autosomal recessive centronuclear myopathy (PMID: 23975875, internal data). Truncating variants in this region have also been identified in individuals affected with autosomal dominant dilated cardiomyopathy and/or cardio-related conditions (PMID: 27869827, 32964742, internal data). In summary, the currently available evidence indicates that the variant is pathogenic, but additional data are needed to prove that conclusively. Therefore, this variant has been classified as Likely Pathogenic.

GeneDx
Classification: Uncertain significance. Last evaluated: 2024-07-01. Review status: criteria provided, single submitter. Criteria: GeneDx Variant Classification Process June 2021. Collection method: clinical testing. Allele origin: germline. Affected: yes.
Comment: Canonical splice site variant predicted to result in an in-frame loss of the adjacent exon in a gene for which loss of function is a known mechanism of disease; Has not been previously published as pathogenic or benign to our knowledge; Located in a region of TTN in which the majority of pathogenic variants have been reported in association with autosomal recessive titinopathies (PMID: 28040389, 29575618, 31660661, 32778822); This variant is associated with the following publications: (PMID: 28040389, 29575618, 31660661, 32778822)

Literature cited by the submitters: PubMed 25589632 (cited by Labcorp Genetics (formerly Invitae), Labcorp); PubMed 23975875 (cited by Labcorp Genetics (formerly Invitae), Labcorp); PubMed 27869827 (cited by Labcorp Genetics (formerly Invitae), Labcorp); PubMed 32964742 (cited by Labcorp Genetics (formerly Invitae), Labcorp).

NM_001267550.2(TTN):c.36364+1G>C

Gene: TTN (titin; minus strand). Cytogenetic location: 2q31.2.
Variant type: single nucleotide variant.
Coding change: c.36364+1G>C on transcript NM_001267550.2 (MANE Select); the canonical splice donor site of the intron after coding-DNA position 36364, G replaced by C.
Molecular consequence: splice donor variant. On other transcripts: intron variant (5).
Genome position (GRCh38, 1-based): chr2:178,664,014, C>G on the plus strand (G>C on the coding strand, the complement: TTN is on the minus strand). VCF-style: chr2-178664014-C-G. GRCh37 (hg19) VCF-style: chr2-179528741-C-G.
Other names: c.13283-21697G>C (NM_003319.4); c.13859-21697G>C (NM_133437.4); c.13658-21697G>C (NM_133432.3); c.31484-959G>C (NM_133378.4); c.34265-959G>C (NM_001256850.1).
Identifiers: ClinVar variation 2196113 (VCV002196113.5), dbSNP rs777040601, ClinGen allele CA1997535.
Genomic context (GRCh38, chr2:178,664,014, plus strand): 5'-AAAAATATTGTCAAGAGCAGAAGAATTAGGTCTTCTGAAGCCTAAAGTCAGTGACAAATA[C>G]CTTTAACAGGTGGGACTTCAGGCTTTTTAGGAGGCACCACCGACACTTTCTTTTCAGGGA-3'